The following is an entry in ClinVar:

ClinVar aggregate classification (germline): Likely benign. Review status: criteria provided, single submitter (1 of 4 stars). 2 submissions from 2 submitters: Likely benign (1). 1 of the submissions does not count toward it. Last evaluated 2023-08-04.

Conditions:
MTOR-related disorder. Also called: MTOR-related condition.

Allele frequency attached by ClinVar (database versions not stated): gnomAD exomes below 0.00001 and 0.00001; gnomAD 0.00001; ExAC 0.00003; 1000 Genomes Project 30x 0.00016; 1000 Genomes Project 0.00020.
gnomAD v4.1: 5 of 1,612,470 alleles (0.00031%); highest among the groups gnomAD compares: Non-Finnish European, 0.00042%; no homozygotes.

Submissions (2):

Labcorp Genetics (formerly Invitae), Labcorp
Classification: Likely benign. Last evaluated: 2023-08-04. Review status: criteria provided, single submitter. Criteria: Invitae Variant Classification Sherloc (09022015). Collection method: clinical testing. Allele origin: germline.

PreventionGenetics, part of Exact Sciences
Classification: Likely benign for MTOR-related condition. Last evaluated: 2024-07-26. Review status: no assertion criteria provided. Collection method: clinical testing. Allele origin: germline. Not counted in ClinVar's aggregate classification.
Comment: This variant is classified as likely benign based on ACMG/AMP sequence variant interpretation guidelines (Richards et al. 2015 PMID: 25741868, with internal and published modifications).

NM_004958.4(MTOR):c.3118-10C>G

Gene: MTOR (mechanistic target of rapamycin kinase; minus strand). Cytogenetic location: 1p36.22.
Variant type: single nucleotide variant.
Coding change: c.3118-10C>G on transcript NM_004958.4 (MANE Select); 10 bases into the intron before coding-DNA position 3118, C replaced by G.
Molecular consequence: intron variant.
Genome position (GRCh38, 1-based): chr1:11,213,576, G>C on the plus strand (C>G on the coding strand, the complement: MTOR is on the minus strand). VCF-style: chr1-11213576-G-C. GRCh37 (hg19) VCF-style: chr1-11273633-G-C.
Other names: c.3118-10C>G (NM_001386500.1, NM_004958.3); c.1870-10C>G (NM_001386501.1).
Identifiers: ClinVar variation 1540030 (VCV001540030.9), dbSNP rs551081884, ClinGen allele CA590299.
Genomic context (GRCh38, chr1:11,213,576, plus strand): 5'-AATGAGAAGAATGATCGTGCTCTGAATTGAGGTGTTCATGACCCAGAATTCCTACAAAGA[G>C]AGAAAAGTCAGAGGAGCTGAGTCAGGTCCCTTTCTGATGATATATGAACAAAGGAATCAA-3'